The following is an entry in ClinVar:

ClinVar aggregate classification (germline): Uncertain significance. Review status: criteria provided, multiple submitters, no conflicts (2 of 4 stars). 10 submissions from 10 submitters: Uncertain significance (10). Last evaluated 2026-06-24.

Conditions:
TCAP-related disorder. Also called: TCAP-related condition.
Cardiovascular phenotype. Identifiers: MedGen CN230736.
Hypertrophic cardiomyopathy 25 (CMH25). Also called: CARDIOMYOPATHY, FAMILIAL HYPERTROPHIC, 25. Identifiers: MedGen C4225408, MONDO:0011843, OMIM 607487.
Primary familial hypertrophic cardiomyopathy (HCM). Identifiers: Orphanet 99739, MedGen C0949658, MeSH D024741, MONDO:0024573. Inheritance: Various modes of inheritance.
Ventricular tachycardia. Identifiers: MedGen C0042514, MONDO:0005477, HP:0004756.
Autosomal recessive limb-girdle muscular dystrophy type 2G (LGMDR7). Also called: Telethoninopathy; Limb-girdle muscular dystrophy, type 2G; MUSCULAR DYSTROPHY, LIMB-GIRDLE, AUTOSOMAL RECESSIVE 7. Identifiers: Orphanet 34514, MedGen C1866008, MONDO:0011170, OMIM 601954.

Allele frequency attached by ClinVar (database versions not stated): ExAC 0.00004; gnomAD 0.00009 and 0.00010; TOPMed 0.00009.

Submissions (10):

PreventionGenetics, part of Exact Sciences
Classification: Uncertain significance for TCAP-related condition. Last evaluated: 2026-06-24. Review status: criteria provided, single submitter. Criteria: ACMG Guidelines, 2015. Collection method: clinical testing. Allele origin: germline.
Comment: The TCAP c.448G>A variant is predicted to result in the amino acid substitution p.Gly150Ser. This variant has been reported in individuals with dilated cardiomyopathy or hypertrophic cardiomyopathy (online supplementary file 2, van Lint et al. 2019. PubMed ID: 30847666; Table S3, Mazzarotto et al. 2020. PubMed ID: 31983221; Table S1, Chumakova et al. 2023. PubMed ID: 38002985). This variant is reported in 0.0086% of alleles in individuals of European (Non-Finnish) descent in gnomAD. At this time, the clinical significance of this variant is uncertain due to the absence of conclusive functional and genetic evidence.

GeneDx
Classification: Uncertain significance. Last evaluated: 2026-01-09. Review status: criteria provided, single submitter. Criteria: GeneDx Variant Classification Process June 2021. Collection method: clinical testing. Allele origin: germline. Affected: yes.
Comment: Reported previously in a patient with dilated cardiomyopathy; however, no further clinical or segregation information was provided (PMID: 31983221); In silico analysis suggests that this missense variant does not alter protein structure/function; This variant is associated with the following publications: (PMID: 30847666, 31983221, 38002985)

Ambry Genetics
Classification: Uncertain significance for Cardiovascular phenotype. Last evaluated: 2025-10-14. Review status: criteria provided, single submitter. Criteria: Ambry Variant Classification Scheme 2023. Collection method: clinical testing. Allele origin: germline.
Comment: The p.G150S variant (also known as c.448G>A), located in coding exon 2 of the TCAP gene, results from a G to A substitution at nucleotide position 448. The glycine at codon 150 is replaced by serine, an amino acid with similar properties. This variant was detected in cardiomyopathy genetic testing cohorts; however, clinical details were limited, and additional cardiac variants were detected in some cases (van Lint FHM et al. Neth Heart J, 2019 Jun;27:304-309; Mazzarotto F et al. Circulation, 2020 Feb;141:387-398). This amino acid position is well conserved in available vertebrate species. In addition, the in silico prediction for this alteration is inconclusive. Since supporting evidence is limited at this time, the clinical significance of this alteration remains unclear.

Mayo Clinic Laboratories, Mayo Clinic
Classification: Uncertain significance. Last evaluated: 2025-09-27. Review status: criteria provided, single submitter. Criteria: ACMG Guidelines, 2015. Collection method: clinical testing. Allele origin: germline. Observed: 1 variant allele.

Revvity Omics, Revvity
Classification: Uncertain significance. Last evaluated: 2024-07-22. Review status: criteria provided, single submitter. Criteria: ACMG Guidelines, 2015. Collection method: clinical testing. Allele origin: germline.

Blueprint Genetics
Classification: Uncertain significance. Last evaluated: 2024-06-04. Review status: criteria provided, single submitter. Criteria: ACMG Guidelines, 2015. Collection method: clinical testing. Allele origin: germline.

Labcorp Genetics (formerly Invitae), Labcorp
Classification: Uncertain significance for Hypertrophic cardiomyopathy 25; Primary familial hypertrophic cardiomyopathy. Last evaluated: 2023-12-11. Review status: criteria provided, single submitter. Criteria: Invitae Variant Classification Sherloc (09022015). Collection method: clinical testing. Allele origin: germline.
Comment: This sequence change replaces glycine, which is neutral and non-polar, with serine, which is neutral and polar, at codon 150 of the TCAP protein (p.Gly150Ser). This variant is present in population databases (rs762850913, gnomAD 0.009%). This missense change has been observed in individual(s) with dilated cardiomyopathy (PMID: 31983221). ClinVar contains an entry for this variant (Variation ID: 222831). An algorithm developed to predict the effect of missense changes on protein structure and function (PolyPhen-2) suggests that this variant is likely to be disruptive. In summary, the available evidence is currently insufficient to determine the role of this variant in disease. Therefore, it has been classified as a Variant of Uncertain Significance.

Fulgent Genetics
Classification: Uncertain significance for Autosomal recessive limb-girdle muscular dystrophy type 2G; Hypertrophic cardiomyopathy 25. Last evaluated: 2021-07-23. Review status: criteria provided, single submitter. Criteria: ACMG Guidelines, 2015. Collection method: clinical testing. Allele origin: unknown.

Center for Advanced Laboratory Medicine, UC San Diego Health, University of California San Diego
Classification: Uncertain significance for Ventricular tachycardia. Last evaluated: 2019-05-14. Review status: criteria provided, single submitter. Criteria: ACMG Guidelines, 2015. Collection method: clinical testing. Allele origin: germline. Affected: yes. Observed: 1 variant allele.

CeGaT Center for Human Genetics Tuebingen
Classification: Uncertain significance. Last evaluated: 2017-01-01. Review status: criteria provided, single submitter. Criteria: CeGaT Center For Human Genetics Tuebingen Variant Classification Criteria Version 2. Collection method: clinical testing. Allele origin: germline. Affected: yes. Observed: 1 variant allele.

Literature cited by the submitters: PubMed 30847666 (cited by Ambry Genetics); PubMed 31983221 (cited by 3 submitters); PubMed 38002985 (cited by Mayo Clinic Laboratories, Mayo Clinic).

NM_003673.4(TCAP):c.448G>A (p.Gly150Ser)

Gene: TCAP (titin-cap; plus strand). Cytogenetic location: 17q12.
Variant type: single nucleotide variant.
Coding change: c.448G>A on transcript NM_003673.4 (MANE Select); coding-DNA position 448, G replaced by A.
Protein change: p.Gly150Ser; replaces glycine 150 with serine.
Molecular consequence: missense variant.
Genome position (GRCh38, 1-based): chr17:39,666,053, G>A. VCF-style: chr17-39666053-G-A. GRCh37 (hg19) VCF-style: chr17-37822306-G-A.
Other names: p.Gly150Ser; short protein forms G150S.
Identifiers: ClinVar variation 222831 (VCV000222831.70), dbSNP rs762850913, ClinGen allele CA069190.